The following is an entry in ClinVar:

ClinVar aggregate classification (germline): Benign/Likely benign. Review status: criteria provided, multiple submitters, no conflicts (2 of 4 stars). 4 submissions from 4 submitters: Benign (1); Likely benign (2). 1 of the submissions does not count toward it. Last evaluated 2025-12-11.

Conditions:
Hereditary cancer-predisposing syndrome. Also called: Hereditary Cancer Syndrome; Hereditary neoplastic syndrome; Neoplastic Syndromes, Hereditary; Tumor predisposition. Identifiers: Orphanet 140162, MedGen C0027672, MeSH D009386, MONDO:0015356.
Birt-Hogg-Dube syndrome. Also called: Birt Hogg Dubé syndrome. Identifiers: Orphanet 122, MedGen C0346010, MONDO:0800444.
Birt-Hogg-Dube syndrome 1 (BHD1). Also called: FIBROFOLLICULOMAS WITH TRICHODISCOMAS AND ACROCHORDONS. Identifiers: Orphanet 122, MedGen CN375946, MONDO:0800445, OMIM 135150.
FLCN-related disorder. Also called: FLCN-related condition.

Allele frequency attached by ClinVar (database versions not stated): ExAC 0.00001; gnomAD exomes 0.00001.
gnomAD v4.1: 5 of 1,613,874 alleles (0.00031%); highest among the groups gnomAD compares: South Asian, 0.0055%; no homozygotes.

Submissions (4):

Labcorp Genetics (formerly Invitae), Labcorp
Classification: Likely benign for Birt-Hogg-Dube syndrome. Last evaluated: 2025-12-11. Review status: criteria provided, single submitter. Criteria: Invitae Variant Classification Sherloc (09022015). Collection method: clinical testing. Allele origin: germline.

Myriad Genetics, Inc.
Classification: Benign for Birt-Hogg-Dube syndrome 1. Last evaluated: 2024-10-24. Review status: criteria provided, single submitter. Criteria: Myriad Autosomal Dominant, Autosomal Recessive and X-Linked Classification Criteria (2023). Collection method: clinical testing. Allele origin: unknown.
Comment: This variant is considered benign. This variant is a silent/synonymous amino acid change and it is not expected to impact splicing.

Ambry Genetics
Classification: Likely benign for Hereditary cancer-predisposing syndrome. Last evaluated: 2023-04-07. Review status: criteria provided, single submitter. Criteria: Ambry Variant Classification Scheme 2023. Collection method: clinical testing. Allele origin: germline.

PreventionGenetics, part of Exact Sciences
Classification: Likely benign for FLCN-related condition. Last evaluated: 2019-04-16. Review status: no assertion criteria provided. Collection method: clinical testing. Allele origin: germline. Not counted in ClinVar's aggregate classification.
Comment: This variant is classified as likely benign based on ACMG/AMP sequence variant interpretation guidelines (Richards et al. 2015 PMID: 25741868, with internal and published modifications).

NM_144997.7(FLCN):c.1230G>A (p.Glu410=)

Gene: FLCN (folliculin; minus strand). Cytogenetic location: 17p11.2.
Variant type: single nucleotide variant.
Coding change: c.1230G>A on transcript NM_144997.7 (MANE Select); coding-DNA position 1230, G replaced by A.
Protein change: p.Glu410=; no amino-acid change (glutamic acid 410 retained).
Molecular consequence: synonymous variant.
Genome position (GRCh38, 1-based): chr17:17,216,450, C>T on the plus strand (G>A on the coding strand, the complement: FLCN is on the minus strand). VCF-style: chr17-17216450-C-T. GRCh37 (hg19) VCF-style: chr17-17119764-C-T.
Other names: c.1284G>A, p.Glu428= (NM_001353229.2); c.1230G>A, p.Glu410= (NM_001353230.2, NM_001353231.2); c.1230G>A (NM_144997.5).
Identifiers: ClinVar variation 1151661 (VCV001151661.12), dbSNP rs749287631, ClinGen allele CA8416091.